The following is an entry in ClinVar:

NM_001282531.3(ADNP):c.3166C>T (p.Arg1056Cys)

Gene: ADNP (activity dependent neuroprotector homeobox; minus strand). Cytogenetic location: 20q13.13.
Variant type: single nucleotide variant.
Coding change: c.3166C>T on transcript NM_001282531.3 (MANE Select); coding-DNA position 3166, C replaced by T.
Protein change: p.Arg1056Cys; replaces arginine 1056 with cysteine.
Molecular consequence: missense variant.
Genome position (GRCh38, 1-based): chr20:50,891,548, G>A on the plus strand (C>T on the coding strand, the complement: ADNP is on the minus strand). VCF-style: chr20-50891548-G-A. GRCh37 (hg19) VCF-style: chr20-49508085-G-A.
Other names: c.3166C>T (NM_001282531.2, NM_015339.2); c.3166C>T, p.Arg1056Cys (NM_001282532.2, NM_001347511.2, NM_015339.5 and 1 more transcripts); short protein forms R1056C.
Identifiers: ClinVar variation 2071834 (VCV002071834.8), dbSNP rs749636302, ClinGen allele CA9908438.

ClinVar aggregate classification (germline): Conflicting classifications of pathogenicity. Review status: criteria provided, conflicting classifications (1 of 4 stars). 4 submissions from 4 submitters: Uncertain significance (1); Likely benign (2). 1 of the submissions does not count toward it. Last evaluated 2024-11-11.

Conditions:
Inborn genetic diseases. Identifiers: MedGen C0950123, MeSH D030342.
ADNP-related disorder. Also called: ADNP-related condition.

Allele frequency attached by ClinVar (database versions not stated): gnomAD exomes 0.00001; ExAC 0.00002; TOPMed 0.00002; gnomAD 0.00003.
gnomAD v4.1: 20 of 1,611,842 alleles (0.0012%); highest among the groups gnomAD compares: South Asian, 0.0055%; no homozygotes.

Submissions (4):

Blueprint Genetics
Classification: Likely benign. Last evaluated: 2024-11-11. Review status: criteria provided, single submitter. Criteria: ACMG Guidelines, 2015. Collection method: clinical testing. Allele origin: germline.

Ambry Genetics
Classification: Likely benign for Inborn genetic diseases. Last evaluated: 2024-05-12. Review status: criteria provided, single submitter. Criteria: Ambry Variant Classification Scheme 2023. Collection method: clinical testing. Allele origin: germline.

Labcorp Genetics (formerly Invitae), Labcorp
Classification: Uncertain significance. Last evaluated: 2024-04-16. Review status: criteria provided, single submitter. Criteria: Invitae Variant Classification Sherloc (09022015). Collection method: clinical testing. Allele origin: germline.
Comment: This sequence change replaces arginine, which is basic and polar, with cysteine, which is neutral and slightly polar, at codon 1056 of the ADNP protein (p.Arg1056Cys). This variant is present in population databases (rs749636302, gnomAD 0.006%). This variant has not been reported in the literature in individuals affected with ADNP-related conditions. ClinVar contains an entry for this variant (Variation ID: 2071834). An algorithm developed to predict the effect of missense changes on protein structure and function (PolyPhen-2) suggests that this variant is likely to be tolerated. In summary, the available evidence is currently insufficient to determine the role of this variant in disease. Therefore, it has been classified as a Variant of Uncertain Significance.

PreventionGenetics, part of Exact Sciences
Classification: Likely benign for ADNP-related condition. Last evaluated: 2024-02-22. Review status: no assertion criteria provided. Collection method: clinical testing. Allele origin: germline. Not counted in ClinVar's aggregate classification.
Comment: This variant is classified as likely benign based on ACMG/AMP sequence variant interpretation guidelines (Richards et al. 2015 PMID: 25741868, with internal and published modifications).